The following is an entry in ClinVar:

NM_001349253.2(SCN11A):c.4950T>C (p.Ala1650=)

Gene: SCN11A (sodium voltage-gated channel alpha subunit 11; minus strand). Cytogenetic location: 3p22.2.
Variant type: single nucleotide variant.
Coding change: c.4950T>C on transcript NM_001349253.2 (MANE Select); coding-DNA position 4950, T replaced by C.
Protein change: p.Ala1650=; no amino-acid change (alanine 1650 retained).
Molecular consequence: synonymous variant.
Genome position (GRCh38, 1-based): chr3:38,847,120, A>G on the plus strand (T>C on the coding strand, the complement: SCN11A is on the minus strand). VCF-style: chr3-38847120-A-G. GRCh37 (hg19) VCF-style: chr3-38888611-A-G.
Other names: c.4950T>C, p.Ala1650= (NM_014139.3).
Identifiers: ClinVar variation 474738 (VCV000474738.37), dbSNP rs146271174, ClinGen allele CA2321438.

ClinVar aggregate classification (germline): Benign/Likely benign. Review status: criteria provided, multiple submitters, no conflicts (2 of 4 stars). 4 submissions from 4 submitters: Benign (2); Likely benign (1). 1 of the submissions does not count toward it. Last evaluated 2025-04-28.

Conditions:
SCN11A-related disorder. Also called: SCN11A-related condition.
Inborn genetic diseases. Identifiers: MedGen C0950123, MeSH D030342.
Hereditary sensory and autonomic neuropathy type 7. Also called: Neuropathy, hereditary sensory and autonomic, type VII; HSAN VII. Identifiers: Orphanet 391397, MedGen C3809882, MONDO:0014244, OMIM 615548.
Familial episodic pain syndrome with predominantly lower limb involvement. Also called: Episodic pain syndrome, familial, 3. Identifiers: Orphanet 391384, Orphanet 391392, MedGen C3809899, MONDO:0014247, OMIM 615552.

Allele frequency attached by ClinVar (database versions not stated): gnomAD 0.00006 and 0.00013; TOPMed 0.00008; ESP Exome Variant Server 0.00015; 1000 Genomes Project 30x 0.00016; gnomAD exomes 0.00018 and 0.00028; ExAC 0.00030.
gnomAD v4.1: 276 of 1,614,252 alleles (0.017%); highest among the groups gnomAD compares: South Asian, 0.17%; 4 homozygotes.

Submissions (4):

Labcorp Genetics (formerly Invitae), Labcorp
Classification: Benign for Familial episodic pain syndrome with predominantly lower limb involvement; Hereditary sensory and autonomic neuropathy type 7. Last evaluated: 2025-04-28. Review status: criteria provided, single submitter. Criteria: Invitae Variant Classification Sherloc (09022015). Collection method: clinical testing. Allele origin: germline.

CeGaT Center for Human Genetics Tuebingen
Classification: Benign. Last evaluated: 2022-06-01. Review status: criteria provided, single submitter. Criteria: CeGaT Center For Human Genetics Tuebingen Variant Classification Criteria Version 2. Collection method: clinical testing. Allele origin: germline. Affected: yes. Observed: 1 variant allele.
Comment: SCN11A: BS1, BS2

Ambry Genetics
Classification: Likely benign for Inborn genetic diseases. Last evaluated: 2019-07-11. Review status: criteria provided, single submitter. Criteria: Ambry Variant Classification Scheme 2023. Collection method: clinical testing. Allele origin: germline.

PreventionGenetics, part of Exact Sciences
Classification: Likely benign for SCN11A-related condition. Last evaluated: 2019-11-18. Review status: no assertion criteria provided. Collection method: clinical testing. Allele origin: germline. Not counted in ClinVar's aggregate classification.
Comment: This variant is classified as likely benign based on ACMG/AMP sequence variant interpretation guidelines (Richards et al. 2015 PMID: 25741868, with internal and published modifications).